The following is an entry in ClinVar:

ClinVar aggregate classification (germline): Pathogenic (1 of 4 stars; one submission).

Conditions:
Marfan syndrome (MFS). Also called: MARFAN SYNDROME, TYPE I; Marfan syndrome type 1; Marfan's syndrome; Marfan syndrome, classic; FBN1-Related Marfan Syndrome. Identifiers: Orphanet 284963, Orphanet 558, MedGen C0024796, MONDO:0007947, OMIM 154700.
Familial thoracic aortic aneurysm and aortic dissection (TAAD). Also called: Thoracic aortic aneurysms and dissections. Identifiers: Orphanet 91387, MedGen C4707243, MONDO:0019625.

Submission:

Labcorp Genetics (formerly Invitae), Labcorp
Classification: Pathogenic for Marfan syndrome; Familial thoracic aortic aneurysm and aortic dissection. Last evaluated: 2023-03-09. Review status: criteria provided, single submitter. Criteria: Invitae Variant Classification Sherloc (09022015). Collection method: clinical testing. Allele origin: germline.
Comment: This variant is not present in population databases (gnomAD no frequency). For these reasons, this variant has been classified as Pathogenic. This variant has not been reported in the literature in individuals affected with FBN1-related conditions. This sequence change creates a premature translational stop signal (p.Gly1418Alafs*14) in the FBN1 gene. It is expected to result in an absent or disrupted protein product. Loss-of-function variants in FBN1 are known to be pathogenic (PMID: 17657824, 19293843).

Literature cited by the submitters: PubMed 17657824; PubMed 19293843.

NM_000138.5(FBN1):c.4252_4253insCATT (p.Gly1418fs)

Genes: FBN1 (fibrillin 1; minus strand), LOC126862124 (CDK7 strongly-dependent group 2 enhancer GRCh37_chr15:48764566-48765765; plus strand). Cytogenetic location: 15q21.1.
Variant type: Insertion.
Coding change: c.4252_4253insCATT on transcript NM_000138.5 (MANE Select); coding-DNA positions 4252 to 4253, CATT inserted.
Protein change: p.Gly1418fs; shifts the reading frame from glycine 1418.
Molecular consequence: frameshift variant.
Genome position: GRCh38 VCF-style: chr15-48472634-C-CAATG. GRCh37 (hg19) VCF-style: chr15-48764831-C-CAATG.
Other names: c.4252_4253insCATT, p.Gly1418fs (NM_001406716.1); short protein forms G1418fs.
Identifiers: ClinVar variation 2945156 (VCV002945156.3), dbSNP rs2505513548, ClinGen allele CA2740096593.